The following is an entry in ClinVar:

NM_001349206.2(LPIN1):c.*624A>G

Gene: LPIN1 (lipin 1; plus strand). Cytogenetic location: 2p25.1.
Variant type: single nucleotide variant.
Coding change: c.*624A>G on transcript NM_001349206.2 (MANE Select); 624 bases downstream of the stop codon, A replaced by G.
Molecular consequence: 3 prime UTR variant. On other transcripts: non-coding transcript variant (1).
Genome position (GRCh38, 1-based): chr2:11,825,415, A>G. VCF-style: chr2-11825415-A-G. GRCh37 (hg19) VCF-style: chr2-11965541-A-G.
Other names: c.*624A>G (NM_001261427.3, NM_001261428.3, NM_001349199.2 and 9 more transcripts).
Identifiers: ClinVar variation 330929 (VCV000330929.6), dbSNP rs2716639, ClinGen allele CA10612062.

ClinVar aggregate classification (germline): Benign. Review status: criteria provided, multiple submitters, no conflicts (2 of 4 stars). 2 submissions from 2 submitters: Benign (2). Last evaluated 2018-01-12.

Conditions:
Myoglobinuria, acute recurrent, autosomal recessive. Also called: MYOGLOBINURIA, FAMILIAL PAROXYSMAL PARALYTIC; RHABDOMYOLYSIS, ACUTE RECURRENT; Myoglobinuria, recurrent, autosomal recessive. Identifiers: Orphanet 99845, MedGen C1849386, MONDO:0009992, OMIM 268200.

Allele frequency attached by ClinVar (database versions not stated): 1000 Genomes Project 0.69489; 1000 Genomes Project 30x 0.70253; gnomAD exomes 0.77834; gnomAD 0.80017 and 0.81419; TOPMed 0.80214.
gnomAD v4.1: 122,394 of 153,080 alleles (80%); highest among the groups gnomAD compares: African/African-American, 92%; 49,850 homozygotes.

Submissions (2):

Illumina Laboratory Services, Illumina
Classification: Benign for Myoglobinuria, acute recurrent, autosomal recessive. Last evaluated: 2018-01-12. Review status: criteria provided, single submitter. Criteria: ICSL Variant Classification Criteria 13 December 2019. Collection method: clinical testing. Allele origin: germline.
Comment: This variant was observed in the ICSL laboratory as part of a predisposition screen in an ostensibly healthy population. It had not been previously curated by ICSL or reported in the Human Gene Mutation Database (HGMD: prior to June 1st, 2018), and was therefore a candidate for classification through an automated scoring system. Utilizing variant allele frequency, disease prevalence and penetrance estimates, and inheritance mode, an automated score was calculated to assess if this variant is too frequent to cause the disease. Based on the score and internal cut-off values, a variant classified as benign is not then subjected to further curation. The score for this variant resulted in a classification of benign for this disease.

Breakthrough Genomics
Classification: Benign. Review status: criteria provided, single submitter. Criteria: ACMG Guidelines, 2015. Collection method: not provided. Allele origin: germline. Inheritance: Autosomal recessive inheritance. Affected: yes.